The following is an entry in ClinVar:

NM_020893.6(CCDC180):c.4029C>G (p.Asn1343Lys)

Genes: CCDC180 (coiled-coil domain containing 180; plus strand), SUGT1P4-STRA6LP-CCDC180 (SUGT1P4-STRA6LP-CCDC180 readthrough; plus strand). Cytogenetic location: 9q22.33.
Variant type: single nucleotide variant.
Coding change: c.4029C>G on transcript NM_020893.6 (MANE Select); coding-DNA position 4029, C replaced by G.
Protein change: p.Asn1343Lys; replaces asparagine 1343 with lysine.
Molecular consequence: missense variant. On other transcripts: non-coding transcript variant (3).
Genome position (GRCh38, 1-based): chr9:97,365,721, C>G. VCF-style: chr9-97365721-C-G. GRCh37 (hg19) VCF-style: chr9-100128003-C-G.
Other names: short protein forms N1343K.
Identifiers: ClinVar variation 2659333 (VCV002659333.24), dbSNP rs148165882, ClinGen allele CA5146017.

ClinVar aggregate classification (germline): Likely benign (1 of 4 stars; one submission).

Allele frequency attached by ClinVar (database versions not stated): 1000 Genomes Project 0.00319; 1000 Genomes Project 30x 0.00344; gnomAD 0.00554; ESP Exome Variant Server 0.00592.
gnomAD v4.1: 12,167 of 1,613,962 alleles (0.75%); highest among the groups gnomAD compares: Non-Finnish European, 0.85%; 68 homozygotes.

Submission:

CeGaT Center for Human Genetics Tuebingen
Classification: Likely benign. Last evaluated: 2023-04-01. Review status: criteria provided, single submitter. Criteria: CeGaT Center For Human Genetics Tuebingen Variant Classification Criteria Version 2. Collection method: clinical testing. Allele origin: germline. Affected: yes. Observed: 1 variant allele.
Comment: CCDC180: BP4, BS2